The following is an entry in ClinVar:

NM_020937.4(FANCM):c.2266C>T (p.Arg756Cys)

Gene: FANCM (FA complementation group M; plus strand). Cytogenetic location: 14q21.2.
Variant type: single nucleotide variant.
Coding change: c.2266C>T on transcript NM_020937.4 (MANE Select); coding-DNA position 2266, C replaced by T.
Protein change: p.Arg756Cys; replaces arginine 756 with cysteine.
Molecular consequence: missense variant.
Genome position (GRCh38, 1-based): chr14:45,173,160, C>T. VCF-style: chr14-45173160-C-T. GRCh37 (hg19) VCF-style: chr14-45642363-C-T.
Other names: c.2188C>T, p.Arg730Cys (NM_001308133.2); c.2266C>T (NM_020937.3, LRG_502t1); short protein forms R756C, R730C.
Identifiers: ClinVar variation 657649 (VCV000657649.17), dbSNP rs756870111, ClinGen allele CA7169303.

ClinVar aggregate classification (germline): Uncertain significance. Review status: criteria provided, multiple submitters, no conflicts (2 of 4 stars). 4 submissions from 4 submitters: Uncertain significance (4). Last evaluated 2025-11-03.

Conditions:
FANCM-related disorder. Also called: FANCM-related condition.
Fanconi anemia (FA). Also called: Fanconi's anemia. Identifiers: Orphanet 84, MedGen C0015625, MeSH D005199, MONDO:0019391.
Spermatogenic failure 28. Identifiers: MedGen C4748117, MONDO:0054732, OMIM 618086.
Premature ovarian failure 15. Identifiers: MedGen C4748170, MONDO:0054862, OMIM 618096.

Allele frequency attached by ClinVar (database versions not stated): gnomAD 0.00001; TOPMed 0.00003.
gnomAD v4.1: 61 of 1,613,474 alleles (0.0038%); highest among the groups gnomAD compares: Non-Finnish European, 0.0048%; no homozygotes.

Submissions (4):

Labcorp Genetics (formerly Invitae), Labcorp
Classification: Uncertain significance for Fanconi anemia. Last evaluated: 2025-11-03. Review status: criteria provided, single submitter. Criteria: Invitae Variant Classification Sherloc (09022015). Collection method: clinical testing. Allele origin: germline.
Comment: This sequence change replaces arginine, which is basic and polar, with cysteine, which is neutral and slightly polar, at codon 756 of the FANCM protein (p.Arg756Cys). This variant is present in population databases (rs756870111, gnomAD 0.006%). This variant has not been reported in the literature in individuals affected with FANCM-related conditions. ClinVar contains an entry for this variant (Variation ID: 657649). An algorithm developed to predict the effect of missense changes on protein structure and function (PolyPhen-2) suggests that this variant is likely to be tolerated. In summary, the available evidence is currently insufficient to determine the role of this variant in disease. Therefore, it has been classified as a Variant of Uncertain Significance.

GeneDx
Classification: Uncertain significance. Last evaluated: 2023-07-10. Review status: criteria provided, single submitter. Criteria: GeneDx Variant Classification Process June 2021. Collection method: clinical testing. Allele origin: germline. Affected: yes.
Comment: Not observed at significant frequency in large population cohorts (gnomAD); In silico analysis supports that this missense variant has a deleterious effect on protein structure/function; Has not been previously published as pathogenic or benign to our knowledge; This variant is associated with the following publications: (PMID: 25239263, 29098742)

PreventionGenetics, part of Exact Sciences
Classification: Uncertain significance for FANCM-related condition. Last evaluated: 2023-07-03. Review status: criteria provided, single submitter. Criteria: ACMG Guidelines, 2015. Collection method: clinical testing. Allele origin: germline.
Comment: The FANCM c.2266C>T variant is predicted to result in the amino acid substitution p.Arg756Cys. To our knowledge, this variant has not been reported in the literature. This variant is reported in 0.0062% of alleles in individuals of European (Non-Finnish) descent in gnomAD and interpreted as a variant of uncertain significance in ClinVar. At this time, the clinical significance of this variant is uncertain due to the absence of conclusive functional and genetic evidence.

Fulgent Genetics
Classification: Uncertain significance for Spermatogenic failure 28; Premature ovarian failure 15. Last evaluated: 2022-04-09. Review status: criteria provided, single submitter. Criteria: ACMG Guidelines, 2015. Collection method: clinical testing. Allele origin: unknown.